The following is an entry in ClinVar:

ClinVar aggregate classification (germline): Uncertain significance. Review status: criteria provided, multiple submitters, no conflicts (2 of 4 stars). 2 submissions from 2 submitters: Uncertain significance (2). Last evaluated 2025-03-19.

Conditions:
Cardiovascular phenotype. Identifiers: MedGen CN230736.

Allele frequency attached by ClinVar (database versions not stated): TOPMed 0.00002; ExAC 0.00003; gnomAD 0.00003; gnomAD exomes 0.00006.
gnomAD v4.1: 97 of 1,612,580 alleles (0.006%); highest among the groups gnomAD compares: Non-Finnish European, 0.0078%; no homozygotes.

Submissions (2):

GeneDx
Classification: Uncertain significance. Last evaluated: 2025-03-19. Review status: criteria provided, single submitter. Criteria: GeneDx Variant Classification Process June 2021. Collection method: clinical testing. Allele origin: germline. Affected: yes.
Comment: In silico analysis supports that this missense variant has a deleterious effect on protein structure/function; Has not been previously published as pathogenic or benign to our knowledge

Ambry Genetics
Classification: Uncertain significance for Cardiovascular phenotype. Last evaluated: 2024-10-12. Review status: criteria provided, single submitter. Criteria: Ambry Variant Classification Scheme 2023. Collection method: clinical testing. Allele origin: germline.

NM_001365276.2(TNXB):c.7243G>C (p.Gly2415Arg)

Gene: TNXB (tenascin XB; minus strand). Cytogenetic location: 6p21.33.
Variant type: single nucleotide variant.
Coding change: c.7243G>C on transcript NM_001365276.2 (MANE Select); coding-DNA position 7243, G replaced by C.
Protein change: p.Gly2415Arg; replaces glycine 2415 with arginine.
Molecular consequence: missense variant.
Genome position (GRCh38, 1-based): chr6:32,061,646, C>G on the plus strand (G>C on the coding strand, the complement: TNXB is on the minus strand). VCF-style: chr6-32061646-C-G. GRCh37 (hg19) VCF-style: chr6-32029423-C-G.
Other names: c.7243G>C, p.Gly2415Arg (NM_019105.8); short protein forms G2415R.
Identifiers: ClinVar variation 1757878 (VCV001757878.4), dbSNP rs768462715, ClinGen allele CA3734207.